The following is an entry in ClinVar:

ClinVar aggregate classification (germline): Uncertain significance (1 of 4 stars; one submission).

Submission:

GeneDx
Classification: Uncertain significance. Last evaluated: 2022-11-28. Review status: criteria provided, single submitter. Criteria: GeneDx Variant Classification Process June 2021. Collection method: clinical testing. Allele origin: germline. Affected: yes.
Comment: Not observed at significant frequency in large population cohorts (gnomAD); In silico analysis supports that this missense variant has a deleterious effect on protein structure/function; Has not been previously published as pathogenic or benign to our knowledge

NM_001039591.3(USP9X):c.236T>A (p.Ile79Asn)

Gene: USP9X (ubiquitin specific peptidase 9 X-linked; plus strand). Cytogenetic location: Xp11.4.
Variant type: single nucleotide variant.
Coding change: c.236T>A on transcript NM_001039591.3 (MANE Select); coding-DNA position 236, T replaced by A.
Protein change: p.Ile79Asn; replaces isoleucine 79 with asparagine.
Molecular consequence: missense variant.
Genome position (GRCh38, 1-based): chrX:41,129,139, T>A. VCF-style: chrX-41129139-T-A. GRCh37 (hg19) VCF-style: chrX-40988392-T-A.
Other names: c.236T>A, p.Ile79Asn (NM_001039590.3, NM_001410748.1, NM_001410749.1); short protein forms I79N.
Identifiers: ClinVar variation 2503160 (VCV002503160.1), dbSNP rs2519087981, ClinGen allele CA412760684.